The following is an entry in ClinVar:

NM_000433.4(NCF2):c.932G>A (p.Ser311Asn)

Gene: NCF2 (neutrophil cytosolic factor 2; minus strand). Cytogenetic location: 1q25.3.
Variant type: single nucleotide variant.
Coding change: c.932G>A on transcript NM_000433.4 (MANE Select); coding-DNA position 932, G replaced by A.
Protein change: p.Ser311Asn; replaces serine 311 with asparagine.
Molecular consequence: missense variant.
Genome position (GRCh38, 1-based): chr1:183,565,772, C>T on the plus strand (G>A on the coding strand, the complement: NCF2 is on the minus strand). VCF-style: chr1-183565772-C-T. GRCh37 (hg19) VCF-style: chr1-183534907-C-T.
Other names: c.932G>A (NM_000433.3); c.932G>A, p.Ser311Asn (NM_001127651.3); c.689G>A, p.Ser230Asn (NM_001190789.2); c.797G>A, p.Ser266Asn (NM_001190794.2); short protein forms S230N, S266N, S311N.
Identifiers: ClinVar variation 1506031 (VCV001506031.9), dbSNP rs1664550664, ClinGen allele CA343705105.

ClinVar aggregate classification (germline): Uncertain significance. Review status: criteria provided, multiple submitters, no conflicts (2 of 4 stars). 2 submissions from 2 submitters: Uncertain significance (2). Last evaluated 2025-06-23.

Conditions:
Inborn genetic diseases. Identifiers: MedGen C0950123, MeSH D030342.
Granulomatous disease, chronic, autosomal recessive, cytochrome b-positive, type 2. Also called: Chronic granulomatous disease due to deficiency of NCF-2; Chronic Granulomatous Disease, Autosomal Recessive, Cytochrome b-Positive, Type II; GRANULOMATOUS DISEASE, CHRONIC, AUTOSOMAL RECESSIVE, 2; GRANULOMATOUS DISEASE, CHRONIC, DUE TO NCF2 DEFICIENCY; CGD, AUTOSOMAL RECESSIVE CYTOCHROME b-POSITIVE, TYPE II. Identifiers: Orphanet 379, MedGen C1856245, MONDO:0009310, OMIM 233710.

Allele frequency attached by ClinVar (database versions not stated): gnomAD 0.00001; TOPMed 0.00001.
gnomAD v4.1: 2 of 1,613,550 alleles (0.00012%); highest among the groups gnomAD compares: Admixed American, 0.0033%; no homozygotes.

Submissions (2):

Ambry Genetics
Classification: Uncertain significance for Inborn genetic diseases. Last evaluated: 2025-06-23. Review status: criteria provided, single submitter. Criteria: Ambry Variant Classification Scheme 2023. Collection method: clinical testing. Allele origin: germline.

Labcorp Genetics (formerly Invitae), Labcorp
Classification: Uncertain significance for Granulomatous disease, chronic, autosomal recessive, cytochrome b-positive, type 2. Last evaluated: 2022-08-19. Review status: criteria provided, single submitter. Criteria: Invitae Variant Classification Sherloc (09022015). Collection method: clinical testing. Allele origin: germline.
Comment: This sequence change replaces serine, which is neutral and polar, with asparagine, which is neutral and polar, at codon 311 of the NCF2 protein (p.Ser311Asn). This variant is not present in population databases (gnomAD no frequency). This variant has not been reported in the literature in individuals affected with NCF2-related conditions. ClinVar contains an entry for this variant (Variation ID: 1506031). Algorithms developed to predict the effect of missense changes on protein structure and function (SIFT, PolyPhen-2, Align-GVGD) all suggest that this variant is likely to be tolerated. In summary, the available evidence is currently insufficient to determine the role of this variant in disease. Therefore, it has been classified as a Variant of Uncertain Significance.